The following is an entry in ClinVar:

NM_024649.5(BBS1):c.1673A>G (p.Lys558Arg)

Genes: BBS1 (Bardet-Biedl syndrome 1; plus strand), ZDHHC24 (zDHHC palmitoyltransferase 24; minus strand). Cytogenetic location: 11q13.2.
Variant type: single nucleotide variant.
Coding change: c.1673A>G on transcript NM_024649.5 (MANE Select); coding-DNA position 1673, A replaced by G.
Protein change: p.Lys558Arg; replaces lysine 558 with arginine.
Molecular consequence: missense variant. On other transcripts: intron variant (1).
Genome position (GRCh38, 1-based): chr11:66,531,720, A>G. VCF-style: chr11-66531720-A-G. GRCh37 (hg19) VCF-style: chr11-66299191-A-G.
Other names: c.560-2232T>C (NM_001348571.2); short protein forms K558R.
Identifiers: ClinVar variation 1385965 (VCV001385965.7), dbSNP rs2134841179, ClinGen allele CA381426178.

ClinVar aggregate classification (germline): Uncertain significance (1 of 4 stars; one submission).

Conditions:
Bardet-Biedl syndrome (BBS). Identifiers: Orphanet 110, MedGen C0752166, MONDO:0015229.

Submission:

Labcorp Genetics (formerly Invitae), Labcorp
Classification: Uncertain significance for Bardet-Biedl syndrome. Last evaluated: 2021-10-11. Review status: criteria provided, single submitter. Criteria: Invitae Variant Classification Sherloc (09022015). Collection method: clinical testing. Allele origin: germline.
Comment: Algorithms developed to predict the effect of missense changes on protein structure and function (SIFT, PolyPhen-2, Align-GVGD) all suggest that this variant is likely to be tolerated. This variant has not been reported in the literature in individuals affected with BBS1-related conditions. This variant is not present in population databases (ExAC no frequency). This sequence change replaces lysine with arginine at codon 558 of the BBS1 protein (p.Lys558Arg). The lysine residue is moderately conserved and there is a small physicochemical difference between lysine and arginine. In summary, the available evidence is currently insufficient to determine the role of this variant in disease. Therefore, it has been classified as a Variant of Uncertain Significance.